The following is an entry in ClinVar:

ClinVar aggregate classification (germline): Uncertain significance (1 of 4 stars; one submission).

Conditions:
Fanconi anemia (FA). Also called: Fanconi's anemia. Identifiers: Orphanet 84, MedGen C0015625, MeSH D005199, MONDO:0019391.

Allele frequency attached by ClinVar (database versions not stated): gnomAD exomes below 0.00001 and 0.00001; gnomAD 0.00001; TOPMed 0.00001.
gnomAD v4.1: 14 of 1,613,824 alleles (0.00087%); highest among the groups gnomAD compares: East Asian, 0.0045%; no homozygotes.

Submission:

Labcorp Genetics (formerly Invitae), Labcorp
Classification: Uncertain significance for Fanconi anemia. Last evaluated: 2022-08-16. Review status: criteria provided, single submitter. Criteria: Invitae Variant Classification Sherloc (09022015). Collection method: clinical testing. Allele origin: germline.
Comment: This sequence change replaces arginine, which is basic and polar, with glutamine, which is neutral and polar, at codon 853 of the FANCA protein (p.Arg853Gln). This variant is present in population databases (rs753393669, gnomAD 0.0009%). This variant has not been reported in the literature in individuals affected with FANCA-related conditions. ClinVar contains an entry for this variant (Variation ID: 1416616). Advanced modeling of protein sequence and biophysical properties (such as structural, functional, and spatial information, amino acid conservation, physicochemical variation, residue mobility, and thermodynamic stability) performed at Invitae indicates that this missense variant is not expected to disrupt FANCA protein function. In summary, the available evidence is currently insufficient to determine the role of this variant in disease. Therefore, it has been classified as a Variant of Uncertain Significance.

NM_000135.4(FANCA):c.2558G>A (p.Arg853Gln)

Gene: FANCA (FA complementation group A; minus strand). Cytogenetic location: 16q24.3.
Variant type: single nucleotide variant.
Coding change: c.2558G>A on transcript NM_000135.4 (MANE Select); coding-DNA position 2558, G replaced by A.
Protein change: p.Arg853Gln; replaces arginine 853 with glutamine.
Molecular consequence: missense variant.
Genome position (GRCh38, 1-based): chr16:89,767,184, C>T on the plus strand (G>A on the coding strand, the complement: FANCA is on the minus strand). VCF-style: chr16-89767184-C-T. GRCh37 (hg19) VCF-style: chr16-89833592-C-T.
Other names: c.2558G>A, p.Arg853Gln (NM_001286167.3); short protein forms R853Q.
Identifiers: ClinVar variation 1416616 (VCV001416616.5), dbSNP rs753393669, ClinGen allele CA286558563.